The following is an entry in ClinVar:

NM_001197104.2(KMT2A):c.4873del (p.Cys1624_Val1625insTer)

Gene: KMT2A (lysine methyltransferase 2A; plus strand). Cytogenetic location: 11q23.3.
Variant type: Deletion.
Coding change: c.4873del on transcript NM_001197104.2 (MANE Select); coding-DNA position 4873, one base deleted (G; older notation c.4873delG).
Protein change: p.Cys1624_Val1625insTer.
Molecular consequence: nonsense.
Genome position (GRCh38, 1-based): chr11:118,491,797, G deleted. VCF-style (leftmost placement, unchanged base first): chr11-118491796-TG-T. GRCh37 (hg19) VCF-style: chr11-118362511-TG-T.
Other names: c.4963del, p.Cys1654_Val1655insTer (NM_001412597.1); c.4864del, p.Cys1621_Val1622insTer (NM_005933.4).
Identifiers: ClinVar variation 4819134 (VCV004819134.1).

ClinVar aggregate classification (germline): Pathogenic (1 of 4 stars; one submission).

Conditions:
Wiedemann-Steiner syndrome (WDSTS). Also called: Growth deficiency and mental retardation with facial dysmorphism. Identifiers: Orphanet 319182, MedGen C1854630, MONDO:0011518, OMIM 605130.

Submission:

Institute of Human Genetics, University of Leipzig Medical Center
Classification: Pathogenic for Wiedemann-Steiner syndrome. Last evaluated: 2026-01-21. Review status: criteria provided, single submitter. Criteria: ACMG Guidelines, 2015. Collection method: clinical testing. Allele origin: unknown. Inheritance: Autosomal dominant inheritance. Affected: yes.
Comment: Criteria applied: PVS1,PM2